The following is an entry in ClinVar:

NM_130384.3(ATRIP):c.1000AGT[4] (p.Ser337_Glu338insSer)

Genes: ATRIP (ATR interacting protein; plus strand), ATRIP-TREX1 (ATRIP-TREX1 readthrough; plus strand). Cytogenetic location: 3p21.31.
Variant type: Microsatellite.
Coding change: c.1000AGT[4] on transcript NM_130384.3 (MANE Select); four copies in a row of the 3-base unit AGT starting at c.1000; the reference has three copies in a row; one copy, 3 bases duplicated.
Protein change: p.Ser337_Glu338insSer.
Molecular consequence: inframe insertion. On other transcripts: non-coding transcript variant (1).
Genome position (GRCh38, 1-based): chr3:48,459,867-48,459,869, AGT duplicated; duplicating any 3 consecutive bases within chr3:48,459,861-48,459,869 gives the same sequence; the position shown is the placement nearest the transcript's 3' end. VCF-style (leftmost placement, unchanged base first): chr3-48459860-G-GAGT. GRCh37 (hg19) VCF-style: chr3-48501259-G-GAGT.
Other names: c.619AGT[4], p.Ser210_Glu211insSer (NM_001271022.2); c.721AGT[4], p.Ser244_Glu245insSer (NM_001271023.2); c.1000AGT[4], p.Ser337_Glu338insSer (NM_032166.4).
Identifiers: ClinVar variation 3810607 (VCV003810607.1).
Genomic context (GRCh38, chr3:48,459,860, plus strand): 5'-AAACCTGCTCCTGAAGCAGCCTTTGATCCCAGGGTCATCCCTAAGCCTTTGCCACCTCCT[G>GAGT]AGTAGTAGTTCTGAGTCTCCTGCTGGCACCCCCCTGCAGCCACCAGGGTTTGGCAGGTAA-3'

ClinVar aggregate classification (germline): Uncertain significance (1 of 4 stars; one submission).

Submission:

Ambry Genetics
Classification: Uncertain significance. Last evaluated: 2025-03-13. Review status: criteria provided, single submitter. Criteria: Ambry Variant Classification Scheme 2023. Collection method: clinical testing. Allele origin: germline.
Comment: The c.1006_1008dupAGT variant (also known as p.S337dup), located in coding exon 7 of the ATRIP gene, results from an in-frame duplication of AGT at nucleotide positions 1006 to 1008. This results in the duplication of an extra serine residue between codons 337 and 338. This amino acid position is not well conserved in available vertebrate species. Based on the available evidence, the clinical significance of this variant remains unclear.